The following is an entry in ClinVar:

ClinVar aggregate classification (germline): Benign. Review status: criteria provided, multiple submitters, no conflicts (2 of 4 stars). 2 submissions from 2 submitters: Benign (2). Last evaluated 2018-01-13.

Conditions:
Hereditary spastic paraplegia 35. Also called: Spastic paraplegia 35; SPASTIC PARAPLEGIA 35, AUTOSOMAL RECESSIVE, WITH OR WITHOUT NEURODEGENERATION; LEUKODYSTROPHY, DYSMYELINATING, AND SPASTIC PARAPARESIS WITH OR WITHOUT DYSTONIA; Spastic paraplegia 35, autosomal recessive. Identifiers: Orphanet 171629, MedGen C3496228, MONDO:0012866, OMIM 612319.

Allele frequency attached by ClinVar (database versions not stated): 1000 Genomes Project 0.04353; gnomAD 0.05292 and 0.05665; 1000 Genomes Project 30x 0.05731; TOPMed 0.05883.

Submissions (2):

Illumina Laboratory Services, Illumina
Classification: Benign for Hereditary spastic paraplegia 35. Last evaluated: 2018-01-13. Review status: criteria provided, single submitter. Criteria: ICSL Variant Classification Criteria 13 December 2019. Collection method: clinical testing. Allele origin: germline.
Comment: This variant was observed in the ICSL laboratory as part of a predisposition screen in an ostensibly healthy population. It had not been previously curated by ICSL or reported in the Human Gene Mutation Database (HGMD: prior to June 1st, 2018), and was therefore a candidate for classification through an automated scoring system. Utilizing variant allele frequency, disease prevalence and penetrance estimates, and inheritance mode, an automated score was calculated to assess if this variant is too frequent to cause the disease. Based on the score and internal cut-off values, a variant classified as benign is not then subjected to further curation. The score for this variant resulted in a classification of benign for this disease.

Breakthrough Genomics
Classification: Benign. Review status: criteria provided, single submitter. Criteria: ACMG Guidelines, 2015. Collection method: not provided. Allele origin: germline. Inheritance: Autosomal recessive inheritance. Affected: yes.

NM_024306.5(FA2H):c.*1131A>C

Gene: FA2H (fatty acid 2-hydroxylase; minus strand). Cytogenetic location: 16q23.1.
Variant type: single nucleotide variant.
Coding change: c.*1131A>C on transcript NM_024306.5 (MANE Select); 1131 bases downstream of the stop codon, A replaced by C.
Molecular consequence: 3 prime UTR variant.
Genome position (GRCh38, 1-based): chr16:74,713,059, T>G on the plus strand (A>C on the coding strand, the complement: FA2H is on the minus strand). VCF-style: chr16-74713059-T-G. GRCh37 (hg19) VCF-style: chr16-74746957-T-G.
Identifiers: ClinVar variation 320464 (VCV000320464.6), dbSNP rs7189731, ClinGen allele CA10638328.
Genomic context (GRCh38, chr16:74,713,059, plus strand): 5'-ATTTAAGTTTTTATTTCACAACCGTAGTTTTGTATATTTATTCCAAAATCTTTAAATAGC[T>G]CCGCAGCAAACAGTACAAATCACAAGGTCCGTCAAACTGCTTCTCTTTAGCCTTTACACT-3'